The following is an entry in ClinVar:

NM_001267550.2(TTN):c.39690G>A (p.Ala13230=)

Gene: TTN (titin; minus strand). Cytogenetic location: 2q31.2.
Variant type: single nucleotide variant.
Coding change: c.39690G>A on transcript NM_001267550.2 (MANE Select); coding-DNA position 39690, G replaced by A.
Protein change: p.Ala13230=; no amino-acid change (alanine 13230 retained).
Molecular consequence: synonymous variant. On other transcripts: intron variant (3).
Genome position (GRCh38, 1-based): chr2:178,650,770, C>T on the plus strand (G>A on the coding strand, the complement: TTN is on the minus strand). VCF-style: chr2-178650770-C-T. GRCh37 (hg19) VCF-style: chr2-179515497-C-T.
Other names: p.A11723A:GCG>GCA; c.35169G>A, p.Ala11723= (NM_001256850.1); c.32388G>A, p.Ala10796= (NM_133378.4); c.13283-8453G>A (NM_003319.4); c.13859-8453G>A (NM_133437.4); c.13658-8453G>A (NM_133432.3).
Identifiers: ClinVar variation 202264 (VCV000202264.40), dbSNP rs528832388, ClinGen allele CA308928.

ClinVar aggregate classification (germline): Benign/Likely benign. Review status: criteria provided, multiple submitters, no conflicts (2 of 4 stars). 15 submissions from 12 submitters: Benign (7); Likely benign (6). 2 of the submissions do not count toward it. Last evaluated 2026-01-28.

Conditions:
Dilated cardiomyopathy 1G (CMD1G). Identifiers: Orphanet 154, MedGen C1858763, MONDO:0011400, OMIM 604145.
Autosomal recessive limb-girdle muscular dystrophy type 2J (LGMDR10). Also called: MUSCULAR DYSTROPHY, LIMB-GIRDLE, AUTOSOMAL RECESSIVE 10; Limb-girdle muscular dystrophy, type 2J. Identifiers: Orphanet 140922, MedGen C1837342, MONDO:0012127, OMIM 608807.
Cardiomyopathy (CMYO). Also called: Cardiomyopathies. Identifiers: Orphanet 167848, MedGen C0878544, MONDO:0004994, HP:0001638. Inheritance: Various modes of inheritance.
Early-onset myopathy with fatal cardiomyopathy (CMYO5). Also called: CONGENITAL MYOPATHY 5 WITH CARDIOMYOPATHY; Salih Myopathy. Identifiers: Orphanet 289377, MedGen C2673677, MONDO:0012714, OMIM 611705. Disease mechanism: loss of function.
Myopathy, myofibrillar, 9, with early respiratory failure (MFM9). Also called: Hereditary myopathy with early respiratory failure; EDSTROM MYOPATHY; Myopathy, distal, with early respiratory failure, autosomal dominant; MYOPATHY, PROXIMAL, WITH EARLY RESPIRATORY MUSCLE INVOLVEMENT. Identifiers: Orphanet 178464, Orphanet 34521, MedGen C1863599, MONDO:0011362, OMIM 603689.
Tibial muscular dystrophy (TMD). Also called: Udd Distal Myopathy – Tibial Muscular Dystrophy; Tibial muscular dystrophy, tardive; UDD MYOPATHY. Identifiers: Orphanet 609, MedGen C1838244, MONDO:0010870, OMIM 600334.

Allele frequency attached by ClinVar (database versions not stated): gnomAD 0.00025 and 0.00026; 1000 Genomes Project 0.00060; ExAC 0.00023; 1000 Genomes Project 30x 0.00062; gnomAD exomes 0.00016; TOPMed 0.00020.
gnomAD v4.1: 118 of 1,606,460 alleles (0.0073%); highest among the groups gnomAD compares: East Asian, 0.1%; no homozygotes.

Submissions (15):

Labcorp Genetics (formerly Invitae), Labcorp
Classification: Benign for Dilated cardiomyopathy 1G; Autosomal recessive limb-girdle muscular dystrophy type 2J. Last evaluated: 2026-01-28. Review status: criteria provided, single submitter. Criteria: Invitae Variant Classification Sherloc (09022015). Collection method: clinical testing. Allele origin: germline.

CeGaT Center for Human Genetics Tuebingen
Classification: Likely benign. Last evaluated: 2025-06-01. Review status: criteria provided, single submitter. Criteria: CeGaT Center For Human Genetics Tuebingen Variant Classification Criteria Version 2. Collection method: clinical testing. Allele origin: germline. Affected: yes. Observed: 1 variant allele.
Comment: TTN: BP4, BP7

Blueprint Genetics
Classification: Likely benign. Last evaluated: 2024-09-18. Review status: criteria provided, single submitter. Criteria: ACMG Guidelines, 2015. Collection method: clinical testing. Allele origin: germline.

Women's Health and Genetics/Laboratory Corporation of America, LabCorp
Classification: Likely benign. Last evaluated: 2023-08-19. Review status: criteria provided, single submitter. Criteria: LabCorp Variant Classification Summary - May 2015. Collection method: clinical testing. Allele origin: germline.

Genome-Nilou Lab
Classification: Benign for Autosomal recessive limb-girdle muscular dystrophy type 2J. Last evaluated: 2021-09-10. Review status: criteria provided, single submitter. Criteria: ACMG Guidelines, 2015. Collection method: clinical testing. Allele origin: germline. Affected: no.

Genome-Nilou Lab
Classification: Benign for Myopathy, myofibrillar, 9, with early respiratory failure. Last evaluated: 2021-09-10. Review status: criteria provided, single submitter. Criteria: ACMG Guidelines, 2015. Collection method: clinical testing. Allele origin: germline. Affected: no.

Genome-Nilou Lab
Classification: Benign for Early-onset myopathy with fatal cardiomyopathy. Last evaluated: 2021-09-10. Review status: criteria provided, single submitter. Criteria: ACMG Guidelines, 2015. Collection method: clinical testing. Allele origin: germline. Affected: no.

Genome-Nilou Lab
Classification: Benign for Tibial muscular dystrophy. Last evaluated: 2021-09-10. Review status: criteria provided, single submitter. Criteria: ACMG Guidelines, 2015. Collection method: clinical testing. Allele origin: germline. Affected: no.

CHEO Genetics Diagnostic Laboratory, Children's Hospital of Eastern Ontario
Classification: Benign for Cardiomyopathy. Last evaluated: 2018-05-04. Review status: criteria provided, single submitter. Criteria: ACMG Guidelines, 2015. Collection method: clinical testing. Allele origin: germline.

Eurofins Ntd Llc (ga)
Classification: Likely benign. Last evaluated: 2017-01-25. Review status: criteria provided, single submitter. Criteria: EGL Classification Definitions 2015. Collection method: clinical testing. Allele origin: germline. Observed: 1 variant allele, 1 heterozygote.

Laboratory for Molecular Medicine, Mass General Brigham Personalized Medicine
Classification: Likely benign. Last evaluated: 2015-10-01. Review status: criteria provided, single submitter. Criteria: LMM Criteria. Collection method: clinical testing. Allele origin: germline. Observed: 1 variant allele.
Comment: p.Ala10796Ala in exon 163 of TTN: This variant is not expected to have clinical significance because it does not alter an amino acid residue and is not located within the splice consensus sequence. It has been identified in 0.2% (13/5342) o f East Asian chromosomes by the Exome Aggregation Consortium (ExAC.; dbSNP rs528832388).

GeneDx
Classification: Benign. Last evaluated: 2014-07-30. Review status: criteria provided, single submitter. Criteria: GeneDx Variant Classification (06012015). Collection method: clinical testing. Allele origin: germline. Affected: yes.
Comment: This variant is considered likely benign or benign based on one or more of the following criteria: it is a conservative change, it occurs at a poorly conserved position in the protein, it is predicted to be benign by multiple in silico algorithms, and/or has population frequency not consistent with disease.

PreventionGenetics, part of Exact Sciences
Classification: Likely benign. Review status: criteria provided, single submitter. Criteria: ACMG Guidelines, 2015. Collection method: clinical testing. Allele origin: germline.

Clinical Genetics, Academic Medical Center
Classification: Benign. Review status: no assertion criteria provided. Collection method: clinical testing. Allele origin: germline. Affected: yes. Study: VKGL Data-share Consensus. Not counted in ClinVar's aggregate classification.

Joint Genome Diagnostic Labs from Nijmegen and Maastricht, Radboudumc and MUMC+
Classification: Likely benign. Review status: no assertion criteria provided. Collection method: clinical testing. Allele origin: germline. Affected: yes. Study: VKGL Data-share Consensus. Not counted in ClinVar's aggregate classification.